The following is an entry in ClinVar:

NM_006295.3(VARS1):c.1701A>G (p.Pro567=)

Gene: VARS1 (valyl-tRNA synthetase 1; minus strand). Cytogenetic location: 6p21.33.
Variant type: single nucleotide variant.
Coding change: c.1701A>G on transcript NM_006295.3 (MANE Select); coding-DNA position 1701, A replaced by G.
Protein change: p.Pro567=; no amino-acid change (proline 567 retained).
Molecular consequence: synonymous variant.
Genome position (GRCh38, 1-based): chr6:31,783,157, T>C on the plus strand (A>G on the coding strand, the complement: VARS1 is on the minus strand). VCF-style: chr6-31783157-T-C. GRCh37 (hg19) VCF-style: chr6-31750934-T-C.
Identifiers: ClinVar variation 2656426 (VCV002656426.24), dbSNP rs149665710, ClinGen allele CA3723216.

ClinVar aggregate classification (germline): Likely benign (1 of 4 stars; one submission).

Allele frequency attached by ClinVar (database versions not stated): gnomAD 0.00190; ExAC 0.00268; ESP Exome Variant Server 0.00296; 1000 Genomes Project 0.00100; 1000 Genomes Project 30x 0.00109; TOPMed 0.00177.

Submission:

CeGaT Center for Human Genetics Tuebingen
Classification: Likely benign. Last evaluated: 2026-09-01. Review status: criteria provided, single submitter. Criteria: CeGaT Center For Human Genetics Tuebingen Variant Classification Criteria Version 2. Collection method: clinical testing. Allele origin: germline. Affected: yes. Observed: 6 variant alleles.
Comment: VARS1: BP4, BP7